The following is an entry in ClinVar:

NM_182961.4(SYNE1):c.8532G>A (p.Met2844Ile)

Genes: SYNE1 (spectrin repeat containing nuclear envelope protein 1; minus strand), LOC126859838 (CDK7 strongly-dependent group 2 enhancer GRCh37_chr6:152706655-152707854; plus strand). Cytogenetic location: 6q25.2.
Variant type: single nucleotide variant.
Coding change: c.8532G>A on transcript NM_182961.4 (MANE Select); coding-DNA position 8532, G replaced by A.
Protein change: p.Met2844Ile; replaces methionine 2844 with isoleucine.
Molecular consequence: missense variant.
Genome position (GRCh38, 1-based): chr6:152,385,794, C>T on the plus strand (G>A on the coding strand, the complement: SYNE1 is on the minus strand). VCF-style: chr6-152385794-C-T. GRCh37 (hg19) VCF-style: chr6-152706929-C-T.
Other names: c.8553G>A, p.Met2851Ile (NM_033071.5); short protein forms M2844I, M2851I.
Identifiers: ClinVar variation 197983 (VCV000197983.18), dbSNP rs794727764, ClinGen allele CA246418.

ClinVar aggregate classification (germline): Uncertain significance. Review status: criteria provided, multiple submitters, no conflicts (2 of 4 stars). 4 submissions from 4 submitters: Uncertain significance (4). Last evaluated 2025-07-21.

Conditions:
Autosomal recessive ataxia, Beauce type. Also called: SYNE1 Deficiency; Spinocerebellar ataxia, autosomal recessive 8; SYNE1-Related Autosomal Recessive Cerebellar Ataxia; ATAXIA, RECESSIVE, OF BEAUCE. Identifiers: Orphanet 88644, MedGen C1853116, MONDO:0012549, OMIM 610743.
Emery-Dreifuss muscular dystrophy 4, autosomal dominant (EDMD4). Also called: EMERY-DREIFUSS MUSCULAR DYSTROPHY 4 WITH VARIABLE FEATURES. Identifiers: Orphanet 261, MedGen C2751807, MONDO:0013071, OMIM 612998.
Arthrogryposis multiplex congenita 3, myogenic type. Also called: ARTHROGRYPOSIS MULTIPLEX CONGENITA, MYOGENIC TYPE. Identifiers: MedGen C5193121, MONDO:0032778, OMIM 618484.

Allele frequency attached by ClinVar (database versions not stated): gnomAD exomes 0.00001; TOPMed 0.00001.
gnomAD v4.1: 104 of 1,614,024 alleles (0.0064%); highest among the groups gnomAD compares: Non-Finnish European, 0.0086%; no homozygotes.

Submissions (4):

Labcorp Genetics (formerly Invitae), Labcorp
Classification: Uncertain significance for Emery-Dreifuss muscular dystrophy 4, autosomal dominant; Autosomal recessive ataxia, Beauce type. Last evaluated: 2025-07-21. Review status: criteria provided, single submitter. Criteria: Invitae Variant Classification Sherloc (09022015). Collection method: clinical testing. Allele origin: germline.
Comment: This sequence change replaces methionine, which is neutral and non-polar, with isoleucine, which is neutral and non-polar, at codon 2851 of the SYNE1 protein (p.Met2851Ile). This variant is present in population databases (rs794727764, gnomAD 0.004%). This variant has not been reported in the literature in individuals affected with SYNE1-related conditions. ClinVar contains an entry for this variant (Variation ID: 197983). An algorithm developed to predict the effect of missense changes on protein structure and function outputs the following: PolyPhen-2: "Benign". The isoleucine amino acid residue is found in multiple mammalian species, which suggests that this missense change does not adversely affect protein function. In summary, the available evidence is currently insufficient to determine the role of this variant in disease. Therefore, it has been classified as a Variant of Uncertain Significance.

Baylor Genetics
Classification: Uncertain significance for Autosomal recessive ataxia, Beauce type. Last evaluated: 2024-03-06. Review status: criteria provided, single submitter. Criteria: ACMG Guidelines, 2015. Collection method: clinical testing. Allele origin: unknown.

Department of Pathology and Laboratory Medicine, Sinai Health System
Classification: Uncertain significance for Autosomal recessive ataxia, Beauce type; Emery-Dreifuss muscular dystrophy 4, autosomal dominant; Arthrogryposis multiplex congenita 3, myogenic type. Last evaluated: 2021-10-18. Review status: criteria provided, single submitter. Criteria: ACMG Guidelines, 2015. Collection method: research. Allele origin: germline.

Eurofins Ntd Llc (ga)
Classification: Uncertain significance. Last evaluated: 2015-03-01. Review status: criteria provided, single submitter. Criteria: EGL Classification Definitions 2015. Collection method: clinical testing. Allele origin: germline. Observed: 1 variant allele, 1 heterozygote.